The following is an entry in ClinVar:

ClinVar aggregate classification (germline): Uncertain significance. Review status: criteria provided, multiple submitters, no conflicts (2 of 4 stars). 2 submissions from 2 submitters: Uncertain significance (2). Last evaluated 2024-05-16.

Conditions:
Spastic paraplegia. Identifiers: MedGen C0037772, HP:0001258.

Allele frequency attached by ClinVar (database versions not stated): TOPMed below 0.00001; gnomAD 0.00001.
gnomAD v4.1: 1 of 1,613,352 alleles (0.000062%); highest among the groups gnomAD compares: Non-Finnish European, 0.000085%; no homozygotes.

Submissions (2):

Labcorp Genetics (formerly Invitae), Labcorp
Classification: Uncertain significance for Spastic paraplegia. Last evaluated: 2024-05-16. Review status: criteria provided, single submitter. Criteria: Invitae Variant Classification Sherloc (09022015). Collection method: clinical testing. Allele origin: germline.
Comment: This sequence change replaces lysine, which is basic and polar, with asparagine, which is neutral and polar, at codon 99 of the KIF5A protein (p.Lys99Asn). The frequency data for this variant in the population databases is considered unreliable, as metrics indicate poor data quality at this position in the gnomAD database. This variant has not been reported in the literature in individuals affected with KIF5A-related conditions. ClinVar contains an entry for this variant (Variation ID: 1984612). Advanced modeling of protein sequence and biophysical properties (such as structural, functional, and spatial information, amino acid conservation, physicochemical variation, residue mobility, and thermodynamic stability) performed at Invitae indicates that this missense variant is not expected to disrupt KIF5A protein function with a negative predictive value of 95%. In summary, the available evidence is currently insufficient to determine the role of this variant in disease. Therefore, it has been classified as a Variant of Uncertain Significance.

CeGaT Center for Human Genetics Tuebingen
Classification: Uncertain significance. Last evaluated: 2023-12-01. Review status: criteria provided, single submitter. Criteria: CeGaT Center For Human Genetics Tuebingen Variant Classification Criteria Version 2. Collection method: clinical testing. Allele origin: germline. Affected: yes. Observed: 1 variant allele.
Comment: KIF5A: PM2, PP2

NM_004984.4(KIF5A):c.297G>T (p.Lys99Asn)

Gene: KIF5A (kinesin family member 5A; plus strand). Cytogenetic location: 12q13.3.
Variant type: single nucleotide variant.
Coding change: c.297G>T on transcript NM_004984.4 (MANE Select); coding-DNA position 297, G replaced by T.
Protein change: p.Lys99Asn; replaces lysine 99 with asparagine.
Molecular consequence: missense variant. On other transcripts: intron variant (1).
Genome position (GRCh38, 1-based): chr12:57,564,113, G>T. VCF-style: chr12-57564113-G-T. GRCh37 (hg19) VCF-style: chr12-57957896-G-T.
Other names: c.130-347G>T (NM_001354705.2); short protein forms K99N.
Identifiers: ClinVar variation 1984612 (VCV001984612.26), dbSNP rs1193791841, ClinGen allele CA385494216.